The following is an entry in ClinVar:

NM_015259.6(ICOSLG):c.130C>T (p.Arg44Cys)

Gene: ICOSLG (inducible T cell costimulator ligand; minus strand). Cytogenetic location: 21q22.3.
Variant type: single nucleotide variant.
Coding change: c.130C>T on transcript NM_015259.6 (MANE Select); coding-DNA position 130, C replaced by T.
Protein change: p.Arg44Cys; replaces arginine 44 with cysteine.
Molecular consequence: missense variant. On other transcripts: intron variant (2).
Genome position (GRCh38, 1-based): chr21:44,237,143, G>A on the plus strand (C>T on the coding strand, the complement: ICOSLG is on the minus strand). VCF-style: chr21-44237143-G-A. GRCh37 (hg19) VCF-style: chr21-45657026-G-A.
Other names: c.130C>T, p.Arg44Cys (NM_001283050.2); c.49C>T, p.Arg17Cys (NM_001365759.2); c.55+1305C>T (NM_001283051.2); c.-48-78C>T (NM_001283052.2); short protein forms R44C, R17C.
Identifiers: ClinVar variation 1411443 (VCV001411443.6), dbSNP rs775833872, ClinGen allele CA321498371.

ClinVar aggregate classification (germline): Uncertain significance (1 of 4 stars; one submission).

Allele frequency attached by ClinVar (database versions not stated): gnomAD exomes below 0.00001; ExAC 0.00001.

Submission:

Labcorp Genetics (formerly Invitae), Labcorp
Classification: Uncertain significance. Last evaluated: 2021-08-15. Review status: criteria provided, single submitter. Criteria: Invitae Variant Classification Sherloc (09022015). Collection method: clinical testing. Allele origin: germline.
Comment: In summary, the available evidence is currently insufficient to determine the role of this variant in disease. Therefore, it has been classified as a Variant of Uncertain Significance. Algorithms developed to predict the effect of missense changes on protein structure and function are either unavailable or do not agree on the potential impact of this missense change (SIFT: "Tolerated"; PolyPhen-2: "Possibly Damaging"; Align-GVGD: "Class C0"). This variant has not been reported in the literature in individuals affected with ICOSLG-related conditions. This sequence change replaces arginine with cysteine at codon 44 of the ICOSLG protein (p.Arg44Cys). The arginine residue is weakly conserved and there is a large physicochemical difference between arginine and cysteine. This variant is present in population databases (rs775833872, ExAC 0.002%).